The following is an entry in ClinVar:

ClinVar aggregate classification (germline): Uncertain significance (1 of 4 stars; one submission).

Conditions:
Dyskeratosis congenita, autosomal dominant 2. Identifiers: MedGen C3151443, MONDO:0013521, OMIM 613989.
Idiopathic Pulmonary Fibrosis. Also called: Idiopathic fibrosing alveolitis, chronic form; idiopathic fibrosing alveolitis. Identifiers: Orphanet 2032, MedGen C1800706, MeSH D054990, MONDO:0800504.

Submission:

Labcorp Genetics (formerly Invitae), Labcorp
Classification: Uncertain significance for Dyskeratosis congenita, autosomal dominant 2; Idiopathic Pulmonary Fibrosis. Last evaluated: 2021-01-30. Review status: criteria provided, single submitter. Criteria: Invitae Variant Classification Sherloc (09022015). Collection method: clinical testing. Allele origin: germline.
Comment: In summary, the available evidence is currently insufficient to determine the role of this variant in disease. Therefore, it has been classified as a Variant of Uncertain Significance. Advanced modeling of protein sequence and biophysical properties (such as structural, functional, and spatial information, amino acid conservation, physicochemical variation, residue mobility, and thermodynamic stability) performed at Invitae indicates that this missense variant is expected to disrupt TERT protein function. This variant has not been reported in the literature in individuals with TERT-related conditions. The frequency data for this variant in the population databases is considered unreliable, as metrics indicate insufficient coverage at this position in the ExAC database. This sequence change replaces glycine with aspartic acid at codon 35 of the TERT protein (p.Gly35Asp). The glycine residue is moderately conserved and there is a moderate physicochemical difference between glycine and aspartic acid.

NM_198253.3(TERT):c.104G>A (p.Gly35Asp)

Genes: TERT (telomerase reverse transcriptase; minus strand), LOC110806263 (TERT 5' regulatory region; plus strand). Cytogenetic location: 5p15.33.
Variant type: single nucleotide variant.
Coding change: c.104G>A on transcript NM_198253.3 (MANE Select); coding-DNA position 104, G replaced by A.
Protein change: p.Gly35Asp; replaces glycine 35 with aspartic acid.
Molecular consequence: missense variant. On other transcripts: non-coding transcript variant (2).
Genome position (GRCh38, 1-based): chr5:1,294,886, C>T on the plus strand (G>A on the coding strand, the complement: TERT is on the minus strand). VCF-style: chr5-1294886-C-T. GRCh37 (hg19) VCF-style: chr5-1295001-C-T.
Other names: c.104G>A, p.Gly35Asp (NM_001193376.3); short protein forms G35D.
Identifiers: ClinVar variation 1399581 (VCV001399581.8), dbSNP rs2126692114, ClinGen allele CA359059328.